The following is an entry in ClinVar:

NM_018902.5(PCDHA11):c.1800A>C (p.Ser600=)

Genes: PCDHA-AS1 (protocadherin alpha cluster antisense RNA 1; minus strand), PCDHA1 (protocadherin alpha 1; plus strand), PCDHA10 (protocadherin alpha 10; plus strand), PCDHA11 (protocadherin alpha 11; plus strand), PCDHA2 (protocadherin alpha 2; plus strand) and 8 more. Cytogenetic location: 5q31.3.
Variant type: single nucleotide variant.
Coding change: c.1800A>C on transcript NM_018902.5 (MANE Select); coding-DNA position 1800, A replaced by C.
Protein change: p.Ser600=; no amino-acid change (serine 600 retained).
Molecular consequence: synonymous variant. On other transcripts: non-coding transcript variant (1), intron variant (13).
Genome position (GRCh38, 1-based): chr5:140,870,903, A>C. VCF-style: chr5-140870903-A-C. GRCh37 (hg19) VCF-style: chr5-140250488-A-C.
Other names: c.1800A>C, p.Ser600= (NM_031861.3); c.2394+82219A>C (NM_018900.4); c.1602+83011A>C (NM_031411.3); c.2388+73551A>C (NM_018905.3); c.2394+67312A>C (NM_018906.3); c.2385+61331A>C (NM_018907.4); c.2352+46776A>C (NM_018908.3); c.2394+40418A>C (NM_018909.4); and 6 more.
Identifiers: ClinVar variation 2655793 (VCV002655793.24), dbSNP rs182770106, ClinGen allele CA3452134.

ClinVar aggregate classification (germline): Likely benign (1 of 4 stars; one submission).

Allele frequency attached by ClinVar (database versions not stated): 1000 Genomes Project 30x 0.00031; 1000 Genomes Project 0.00040; ExAC 0.00046; gnomAD 0.00046; TOPMed 0.00051; ESP Exome Variant Server 0.00054.
gnomAD v4.1: 622 of 1,613,930 alleles (0.039%); highest among the groups gnomAD compares: Middle Eastern, 0.28%; 2 homozygotes.

Submission:

CeGaT Center for Human Genetics Tuebingen
Classification: Likely benign. Last evaluated: 2022-09-01. Review status: criteria provided, single submitter. Criteria: CeGaT Center For Human Genetics Tuebingen Variant Classification Criteria Version 2. Collection method: clinical testing. Allele origin: germline. Affected: yes. Observed: 1 variant allele.
Comment: PCDHA11: BP4, BP7